The following is an entry in ClinVar:

ClinVar aggregate classification (germline): Conflicting classifications of pathogenicity. Review status: criteria provided, conflicting classifications (1 of 4 stars). 9 submissions from 9 submitters: Uncertain significance (4); Benign (1); Likely benign (4). Last evaluated 2025-11-14.

Conditions:
Marfan syndrome (MFS). Also called: Marfan syndrome type 1; Marfan syndrome, classic; FBN1-Related Marfan Syndrome; Marfan's syndrome; MARFAN SYNDROME, TYPE I. Identifiers: Orphanet 284963, Orphanet 558, MedGen C0024796, MONDO:0007947, OMIM 154700.
Familial thoracic aortic aneurysm and aortic dissection (TAAD). Also called: Thoracic aortic aneurysms and dissections. Identifiers: Orphanet 91387, MedGen C4707243, MONDO:0019625.
Weill-Marchesani syndrome 2, dominant. Also called: FBN1-Related Weill-Marchesani Syndrome; Weill-Marchesani Syndrome, Autosomal Dominant. Identifiers: Orphanet 2084, MedGen C1869115, MONDO:0012013, OMIM 608328.
Ectopia lentis 1, isolated, autosomal dominant (ECTOL1). Identifiers: Orphanet 1885, MedGen C3541518, MONDO:0007514, OMIM 129600.
Acromicric dysplasia (ACMICD). Also called: Acromicric skeletal dysplasia. Identifiers: Orphanet 969, MedGen C0265287, MONDO:0007055, OMIM 102370.
Progeroid and marfanoid aspect-lipodystrophy syndrome. Also called: MARFANOID-PROGEROID-LIPODYSTROPHY SYNDROME; MARFANOID-PROGEROID SYNDROME; MARFAN-PROGEROID-LIPODYSTROPHY SYNDROME; Marfan lipodystrophy syndrome. Identifiers: Orphanet 300382, MedGen C4310796, MONDO:0014831, OMIM 616914.
MASS syndrome (OCTD). Also called: MASS PHENOTYPE; OVERLAP CONNECTIVE TISSUE DISEASE. Identifiers: MedGen C1858556, MONDO:0011431, OMIM 604308.
Stiff skin syndrome (SSKS). Identifiers: Orphanet 2833, MedGen C1861456, MONDO:0008492, OMIM 184900.
Geleophysic dysplasia 2 (GPHYSD2). Identifiers: Orphanet 2623, MedGen C3280054, MONDO:0013612, OMIM 614185.
FBN1-related disorder. Also called: FBN1-related disorders.

Allele frequency attached by ClinVar (database versions not stated): gnomAD 0.00004; gnomAD exomes 0.00005 and 0.00007; TOPMed 0.00008; ExAC 0.00009; ESP Exome Variant Server 0.00015.
gnomAD v4.1: 74 of 1,614,078 alleles (0.0046%); highest among the groups gnomAD compares: East Asian, 0.016%; no homozygotes.

Submissions (9):

Ambry Genetics
Classification: Benign for Familial thoracic aortic aneurysm and aortic dissection. Last evaluated: 2025-11-14. Review status: criteria provided, single submitter. Criteria: Ambry Variant Classification Scheme 2023. Collection method: clinical testing. Allele origin: germline.

Labcorp Genetics (formerly Invitae), Labcorp
Classification: Likely benign for Marfan syndrome; Familial thoracic aortic aneurysm and aortic dissection. Last evaluated: 2025-08-18. Review status: criteria provided, single submitter. Criteria: Invitae Variant Classification Sherloc (09022015). Collection method: clinical testing. Allele origin: germline.

PreventionGenetics, part of Exact Sciences
Classification: Uncertain significance for FBN1-related condition. Last evaluated: 2025-06-24. Review status: criteria provided, single submitter. Criteria: ACMG Guidelines, 2015. Collection method: clinical testing. Allele origin: germline.
Comment: The FBN1 c.2600A>G variant is predicted to result in the amino acid substitution p.Asn867Ser. This variant has been reported in an individual with Marfan syndrome (Table S4, Han et al. 2024. PubMed ID: 38958168). This variant is reported in 0.020% of alleles in individuals of East Asian descent in gnomAD. Although we suspect that this variant may be benign, at this time, the clinical significance of this variant is uncertain due to the absence of conclusive functional and genetic evidence.

Centre of Medical Genetics, University of Antwerp
Classification: Uncertain significance for Familial thoracic aortic aneurysm and aortic dissection. Last evaluated: 2024-09-06. Review status: criteria provided, single submitter. Criteria: ACMG Guidelines, 2015. Collection method: clinical testing. Allele origin: germline. Affected: yes.

CeGaT Center for Human Genetics Tuebingen
Classification: Likely benign. Last evaluated: 2024-09-01. Review status: criteria provided, single submitter. Criteria: CeGaT Center For Human Genetics Tuebingen Variant Classification Criteria Version 2. Collection method: clinical testing. Allele origin: germline. Affected: yes. Observed: 1 variant allele.
Comment: FBN1: PP2, BS2

Blueprint Genetics
Classification: Likely benign. Last evaluated: 2024-08-23. Review status: criteria provided, single submitter. Criteria: ACMG Guidelines, 2015. Collection method: clinical testing. Allele origin: germline.

Color Diagnostics, LLC DBA Color Health
Classification: Likely benign for Familial thoracic aortic aneurysm and aortic dissection. Last evaluated: 2024-04-25. Review status: criteria provided, single submitter. Criteria: ACMG Guidelines, 2015. Collection method: clinical testing. Allele origin: germline.

All of Us Research Program, National Institutes of Health
Classification: Uncertain significance for Marfan syndrome. Last evaluated: 2023-11-30. Review status: criteria provided, single submitter. Criteria: ACMG Guidelines, 2015. Collection method: clinical testing. Allele origin: germline. Inheritance: Autosomal dominant inheritance. Observed: 8 variant alleles, 8 heterozygotes.
Comment: This missense variant replaces asparagine with serine at codon 867 of the FBN1 protein. Computational prediction is inconclusive regarding the impact of this variant on protein structure and function (internally defined REVEL score threshold 0.5 < inconclusive < 0.7, PMID: 27666373). To our knowledge, functional studies have not been reported for this variant. This variant has not been reported in individuals affected with cardiovascular disorders in the literature. This variant has been identified in 20/282852 chromosomes in the general population by the Genome Aggregation Database (gnomAD). The available evidence is insufficient to determine the role of this variant in disease conclusively. Therefore, this variant is classified as a Variant of Uncertain Significance.

This study involves interpretation of variants in research participants for the purpose of population health screening. Participant phenotype was not available at the time of variant classification. Additional details can be found in publication PMID: 35346344, PMCID: PMC8962531

Fulgent Genetics
Classification: Uncertain significance for Acromicric dysplasia; Ectopia lentis 1, isolated, autosomal dominant; Marfan syndrome; Stiff skin syndrome; MASS syndrome; Weill-Marchesani syndrome 2, dominant; Geleophysic dysplasia 2; Progeroid and marfanoid aspect-lipodystrophy syndrome. Last evaluated: 2018-10-31. Review status: criteria provided, single submitter. Criteria: ACMG Guidelines, 2015. Collection method: clinical testing. Allele origin: unknown.

NM_000138.5(FBN1):c.2600A>G (p.Asn867Ser)

Gene: FBN1 (fibrillin 1; minus strand). Cytogenetic location: 15q21.1.
Variant type: single nucleotide variant.
Coding change: c.2600A>G on transcript NM_000138.5 (MANE Select); coding-DNA position 2600, A replaced by G.
Protein change: p.Asn867Ser; replaces asparagine 867 with serine.
Molecular consequence: missense variant.
Genome position (GRCh38, 1-based): chr15:48,495,200, T>C on the plus strand (A>G on the coding strand, the complement: FBN1 is on the minus strand). VCF-style: chr15-48495200-T-C. GRCh37 (hg19) VCF-style: chr15-48787397-T-C.
Other names: short protein forms N867S.
Identifiers: ClinVar variation 519804 (VCV000519804.35), dbSNP rs145464311, ClinGen allele CA048174.